The following is an entry in ClinVar:

NM_000179.3(MSH6):c.3339T>G (p.Ile1113Met)

Gene: MSH6 (mutS homolog 6; plus strand). Cytogenetic location: 2p16.3.
Variant type: single nucleotide variant.
Coding change: c.3339T>G on transcript NM_000179.3 (MANE Select); coding-DNA position 3339, T replaced by G.
Protein change: p.Ile1113Met; replaces isoleucine 1113 with methionine.
Molecular consequence: missense variant.
Genome position (GRCh38, 1-based): chr2:47,803,586, T>G. VCF-style: chr2-47803586-T-G. GRCh37 (hg19) VCF-style: chr2-48030725-T-G.
Other names: c.2949T>G, p.Ile983Met (NM_001281492.2); c.2433T>G, p.Ile811Met (NM_001281493.2, NM_001281494.2); short protein forms I1113M, I983M, I811M.
Identifiers: ClinVar variation 185269 (VCV000185269.26), dbSNP rs786202044, ClinGen allele CA012631.
Genomic context (GRCh38, chr2:47,803,586, plus strand): 5'-ATCACGCCATCCTTGCATTACGAAGACTTTTTTTGGAGATGATTTTATTCCTAATGACAT[T>G]CTAATAGGCTGTGAGGAAGAGGAGCAGGAAAATGGCAAAGCCTATTGTGTGCTTGTTACT-3'
Protein context (NP_000170.1, residues 1103-1123): FFGDDFIPND[Ile1113Met]LIGCEEEEQE

ClinVar aggregate classification (germline): Conflicting classifications of pathogenicity. Review status: criteria provided, conflicting classifications (1 of 4 stars). 5 submissions from 5 submitters: Uncertain significance (4); Likely benign (1). Last evaluated 2026-02-03.

Conditions:
Hereditary nonpolyposis colorectal neoplasms. Identifiers: MedGen C0009405, MeSH D003123.
Hereditary cancer-predisposing syndrome. Also called: Hereditary neoplastic syndrome; Neoplastic Syndromes, Hereditary; Tumor predisposition; Hereditary Cancer Syndrome. Identifiers: Orphanet 140162, MedGen C0027672, MeSH D009386, MONDO:0015356.
Endometrial carcinoma. Also called: Endometrial carcinoma, somatic. Identifiers: MedGen C0476089, MONDO:0002447, OMIM 608089, HP:0012114.

Allele frequency attached by ClinVar (database versions not stated): gnomAD exomes below 0.00001; TOPMed below 0.00001; gnomAD 0.00001.

Submissions (5):

Labcorp Genetics (formerly Invitae), Labcorp
Classification: Likely benign for Hereditary nonpolyposis colorectal neoplasms. Last evaluated: 2026-02-03. Review status: criteria provided, single submitter. Criteria: Invitae Variant Classification Sherloc (09022015). Collection method: clinical testing. Allele origin: germline.

Color Diagnostics, LLC DBA Color Health
Classification: Uncertain significance for Hereditary cancer-predisposing syndrome. Last evaluated: 2025-06-20. Review status: criteria provided, single submitter. Criteria: ACMG Guidelines, 2015. Collection method: clinical testing. Allele origin: germline.
Comment: This missense variant replaces isoleucine with methionine at codon 1113 of the MSH6 protein. Computational prediction is inconclusive regarding the impact of this variant on protein structure and function. To our knowledge, functional studies have not been reported for this variant. This variant has not been reported in individuals affected with MSH6-related disorders in the literature. This variant has been identified in 1/251360 chromosomes in the general population by the Genome Aggregation Database (gnomAD). The available evidence is insufficient to determine the role of this variant in disease conclusively. Therefore, this variant is classified as a Variant of Uncertain Significance.

Ambry Genetics
Classification: Uncertain significance for Hereditary cancer-predisposing syndrome. Last evaluated: 2024-06-25. Review status: criteria provided, single submitter. Criteria: Ambry Variant Classification Scheme 2023. Collection method: clinical testing. Allele origin: germline.
Comment: The p.I1113M variant (also known as c.3339T>G), located in coding exon 5 of the MSH6 gene, results from a T to G substitution at nucleotide position 3339. The isoleucine at codon 1113 is replaced by methionine, an amino acid with highly similar properties. This amino acid position is well conserved in available vertebrate species. In addition, the in silico prediction for this alteration is inconclusive. Since supporting evidence is limited at this time, the clinical significance of this alteration remains unclear.

Baylor Genetics
Classification: Uncertain significance for Endometrial carcinoma. Last evaluated: 2023-08-15. Review status: criteria provided, single submitter. Criteria: ACMG Guidelines, 2015. Collection method: clinical testing. Allele origin: unknown.

ARUP Laboratories, Molecular Genetics and Genomics, ARUP Laboratories
Classification: Uncertain significance. Last evaluated: 2018-08-29. Review status: criteria provided, single submitter. Criteria: ARUP Molecular Germline Variant Investigation Process. Collection method: clinical testing. Allele origin: germline.
Comment: The MSH6 c.3339T>G; p.Ile1113Met variant (rs786202044), to our knowledge, is not reported in the medical literature but is reported in ClinVar (Variation ID: 185269). This variant is found in the general population with a low overall allele frequency of 0.0004% (1/246122 alleles) in the Genome Aggregation Database, indicating it is not a common polymorphism. The isoleucine at codon 1113 is moderately conserved and computational analyses (SIFT, PolyPhen-2) predict that this variant is deleterious. However, given the lack of clinical and functional data, the significance of the p.Ile1113Met variant is uncertain at this time.